The following is an entry in ClinVar:

ClinVar aggregate classification (germline): Uncertain significance (1 of 4 stars; one submission).

Conditions:
Familial adenomatous polyposis 1 (FAP1). Also called: FAMILIAL ADENOMATOUS POLYPOSIS 1, ATTENUATED; POLYPOSIS, ADENOMATOUS INTESTINAL. Identifiers: MedGen C2713442, MONDO:0021056, OMIM 175100. Disease mechanism: loss of function.

Allele frequency attached by ClinVar (database versions not stated): TOPMed below 0.00001; gnomAD 0.00001.
gnomAD v4.1: 1 of 1,613,996 alleles (0.000062%); highest among the groups gnomAD compares: Non-Finnish European, 0.000085%; no homozygotes.

Submission:

Labcorp Genetics (formerly Invitae), Labcorp
Classification: Uncertain significance for Familial adenomatous polyposis 1. Last evaluated: 2020-02-27. Review status: criteria provided, single submitter. Criteria: Invitae Variant Classification Sherloc (09022015). Collection method: clinical testing. Allele origin: germline.
Comment: In summary, the available evidence is currently insufficient to determine the role of this variant in disease. Therefore, it has been classified as a Variant of Uncertain Significance. Algorithms developed to predict the effect of sequence changes on RNA splicing suggest that this variant may create or strengthen a splice site, but this prediction has not been confirmed by published transcriptional studies. Algorithms developed to predict the effect of missense changes on protein structure and function are either unavailable or do not agree on the potential impact of this missense change (SIFT: "Deleterious"; PolyPhen-2: "Benign"; Align-GVGD: "Class C65"). This variant has not been reported in the literature in individuals with APC-related conditions. This variant is not present in population databases (ExAC no frequency). This sequence change replaces serine with cysteine at codon 1754 of the APC protein (p.Ser1754Cys). The serine residue is highly conserved and there is a moderate physicochemical difference between serine and cysteine.

NM_000038.6(APC):c.5261C>G (p.Ser1754Cys)

Gene: APC (APC regulator of Wnt signaling pathway; plus strand). Cytogenetic location: 5q22.2.
Variant type: single nucleotide variant.
Coding change: c.5261C>G on transcript NM_000038.6 (MANE Select); coding-DNA position 5261, C replaced by G.
Protein change: p.Ser1754Cys; replaces serine 1754 with cysteine.
Molecular consequence: missense variant.
Genome position (GRCh38, 1-based): chr5:112,840,855, C>G. VCF-style: chr5-112840855-C-G. GRCh37 (hg19) VCF-style: chr5-112176552-C-G.
Other names: c.5261C>G, p.Ser1754Cys (NM_001127510.3, NM_001354895.2); c.5207C>G, p.Ser1736Cys (NM_001127511.3); c.5315C>G, p.Ser1772Cys (NM_001354896.2); c.5291C>G, p.Ser1764Cys (NM_001354897.2); c.5186C>G, p.Ser1729Cys (NM_001354898.2); c.5177C>G, p.Ser1726Cys (NM_001354899.2); c.5138C>G, p.Ser1713Cys (NM_001354900.2); c.5084C>G, p.Ser1695Cys (NM_001354901.2); and 5 more; short protein forms S1653C, S1695C, S1726C, S1471C, S1736C, S1754C, S1772C, S1628C.
Identifiers: ClinVar variation 949496 (VCV000949496.49), dbSNP rs1765899368, ClinGen allele CA16032837.